The following is an entry in ClinVar:

NM_000212.3(ITGB3):c.882T>C (p.Pro294=)

Gene: ITGB3 (integrin subunit beta 3; plus strand). Cytogenetic location: 17q21.32.
Variant type: single nucleotide variant.
Coding change: c.882T>C on transcript NM_000212.3 (MANE Select); coding-DNA position 882, T replaced by C.
Protein change: p.Pro294=; no amino-acid change (proline 294 retained).
Molecular consequence: synonymous variant.
Genome position (GRCh38, 1-based): chr17:47,287,174, T>C. VCF-style: chr17-47287174-T-C. GRCh37 (hg19) VCF-style: chr17-45364540-T-C.
Other names: NM_000212.3(ITGB3):c.882T>C; p.Pro294=.
Identifiers: ClinVar variation 255541 (VCV000255541.21), dbSNP rs5919, ClinGen allele CA8623073.
Genomic context (GRCh38, chr17:47,287,174, plus strand): 5'-TACCACTGATGCCAAGACTCATATAGCATTGGACGGAAGGCTGGCAGGCATTGTCCAGCC[T>C]AATGACGGGCAGTGTCATGTTGGTAGTGACAATCATTACTCTGCCTCCACTACCATGGTG-3'
Protein context (NP_000203.2, residues 284-304): LDGRLAGIVQ[Pro294=]NDGQCHVGSD

ClinVar aggregate classification (germline): Benign. Review status: reviewed by expert panel (3 of 4 stars). 8 submissions from 8 submitters: Benign (1). 7 of the submissions do not count toward it. Last evaluated 2022-12-01.

Conditions:
Glanzmann thrombasthenia. Also called: PLATELET GLYCOPROTEIN IIb-IIIa DEFICIENCY; THROMBASTHENIA OF GLANZMANN AND NAEGELI; Glanzmann's thrombasthenia; Thrombasthenia. Identifiers: Orphanet 849, MedGen C0040015, MONDO:0100326.

Allele frequency attached by ClinVar (database versions not stated): gnomAD 0.10499 and 0.10166; TOPMed 0.11227; 1000 Genomes Project 30x 0.14350; 1000 Genomes Project 0.14397; gnomAD exomes 0.07937 and 0.10047; ESP Exome Variant Server 0.09819; ExAC 0.10286.
gnomAD v4.1: 133,261 of 1,613,828 alleles (8.3%); highest among the groups gnomAD compares: East Asian, 22%; 7,061 homozygotes.

Submissions (8):

ClinGen Platelet Disorders Variant Curation Expert Panel, ClinGen
Classification: Benign for Glanzmann thrombasthenia. Last evaluated: 2022-12-01. Review status: reviewed by expert panel. Criteria: ClinGen Platelet ACMG Specifications v2-1. Collection method: curation. Allele origin: germline. Inheritance: Autosomal recessive inheritance.
Comment: After a comprehensive literature search of the synonymous variant NM_000212.3(ITGB3):c.882T>C (p.Pro294=), no individuals with Glanzmann thrombasthenia were reported with the variant. Moreover, the variant has a minor allele frequency of 0.2463 (4912/19940 alleles) in gnomAD, found in the East Asian population, which is considerably higher than the expected frequency of the disease (BA1). In Silico predictor spliceAI revealed that the synonymous mutation is not expected to impact splicing at a nucleotide site that is not highly conserved. In conclusion the criteria BA1, BP4, and BP7 were applied to reach a classification of benign.

Labcorp Genetics (formerly Invitae), Labcorp
Classification: Benign. Last evaluated: 2026-02-04. Review status: criteria provided, single submitter. Criteria: Invitae Variant Classification Sherloc (09022015). Collection method: clinical testing. Allele origin: germline. Not counted in ClinVar's aggregate classification.

Blueprint Genetics
Classification: Likely benign. Last evaluated: 2024-11-28. Review status: criteria provided, single submitter. Criteria: ACMG Guidelines, 2015. Collection method: clinical testing. Allele origin: germline. Not counted in ClinVar's aggregate classification.

Mayo Clinic Laboratories, Mayo Clinic
Classification: Benign. Last evaluated: 2022-09-29. Review status: criteria provided, single submitter. Criteria: ACMG Guidelines, 2015. Collection method: clinical testing. Allele origin: germline. Observed: 101 variant alleles. Not counted in ClinVar's aggregate classification.

GeneDx
Classification: Benign. Last evaluated: 2018-11-12. Review status: criteria provided, single submitter. Criteria: GeneDx Variant Classification Process June 2021. Collection method: clinical testing. Allele origin: germline. Affected: yes. Not counted in ClinVar's aggregate classification.

Illumina Laboratory Services, Illumina
Classification: Benign for Glanzmann thrombasthenia 1. Last evaluated: 2018-01-13. Review status: criteria provided, single submitter. Criteria: ICSL Variant Classification Criteria 13 December 2019. Collection method: clinical testing. Allele origin: germline. Not counted in ClinVar's aggregate classification.
Comment: This variant was observed in the ICSL laboratory as part of a predisposition screen in an ostensibly healthy population. It had not been previously curated by ICSL or reported in the Human Gene Mutation Database (HGMD: prior to June 1st, 2018), and was therefore a candidate for classification through an automated scoring system. Utilizing variant allele frequency, disease prevalence and penetrance estimates, and inheritance mode, an automated score was calculated to assess if this variant is too frequent to cause the disease. Based on the score and internal cut-off values, a variant classified as benign is not then subjected to further curation. The score for this variant resulted in a classification of benign for this disease.

Breakthrough Genomics
Classification: Benign. Review status: criteria provided, single submitter. Criteria: ACMG Guidelines, 2015. Collection method: not provided. Allele origin: germline. Inheritance: Autosomal recessive inheritance. Affected: yes. Not counted in ClinVar's aggregate classification.

PreventionGenetics, part of Exact Sciences
Classification: Benign. Review status: criteria provided, single submitter. Criteria: ACMG Guidelines, 2015. Collection method: clinical testing. Allele origin: germline. Not counted in ClinVar's aggregate classification.